The following is an entry in ClinVar:

NM_001905.4(CTPS1):c.873-80T>C

Gene: CTPS1 (CTP synthase 1; plus strand). Cytogenetic location: 1p34.2.
Variant type: single nucleotide variant.
Coding change: c.873-80T>C on transcript NM_001905.4 (MANE Select); 80 bases into the intron before coding-DNA position 873, T replaced by C.
Molecular consequence: intron variant.
Genome position (GRCh38, 1-based): chr1:40,997,314, T>C. VCF-style: chr1-40997314-T-C. GRCh37 (hg19) VCF-style: chr1-41462986-T-C.
Other names: c.405-80T>C (NM_001301237.2).
Identifiers: ClinVar variation 2628222 (VCV002628222.2), dbSNP rs12047078, ClinGen allele CA10722979.

ClinVar aggregate classification (germline): Benign (1 of 4 stars; one submission).

Allele frequency attached by ClinVar (database versions not stated): gnomAD 0.10380; TOPMed 0.10962; 1000 Genomes Project 0.13219; 1000 Genomes Project 30x 0.13257.
gnomAD v4.1: 168,759 of 1,513,782 alleles (11%); highest among the groups gnomAD compares: East Asian, 26%; 11,077 homozygotes.

Submission:

Unidad de Genómica Garrahan, Hospital de Pediatría Garrahan
Classification: Benign. Last evaluated: 2023-11-12. Review status: criteria provided, single submitter. Criteria: ACMG Guidelines, 2015. Collection method: clinical testing. Allele origin: germline. Affected: no. Observed: 34 variant alleles.
Comment: This variant is classified as Benign based on local population frequency. This variant was detected in 35% of patients studied by a panel of primary immunodeficiencies. Number of patients: 34. Only high quality variants are reported.